The following is an entry in ClinVar:

NM_016203.4(PRKAG2):c.637A>G (p.Thr213Ala)

Gene: PRKAG2 (protein kinase AMP-activated non-catalytic subunit gamma 2; minus strand). Cytogenetic location: 7q36.1.
Variant type: single nucleotide variant.
Coding change: c.637A>G on transcript NM_016203.4 (MANE Select); coding-DNA position 637, A replaced by G.
Protein change: p.Thr213Ala; replaces threonine 213 with alanine.
Molecular consequence: missense variant. On other transcripts: intron variant (5).
Genome position (GRCh38, 1-based): chr7:151,675,467, T>C on the plus strand (A>G on the coding strand, the complement: PRKAG2 is on the minus strand). VCF-style: chr7-151675467-T-C. GRCh37 (hg19) VCF-style: chr7-151372553-T-C.
Other names: c.505A>G, p.Thr169Ala (NM_001407026.1, NM_001407027.1, NM_001040633.2 and 1 more transcripts); c.265A>G, p.Thr89Ala (NM_001407028.1, NM_001407029.1, NM_001304527.2 and 1 more transcripts); c.319A>G, p.Thr107Ala (NM_001407032.1); c.467-80016A>G (NM_001407031.1); c.467-80013A>G (NM_001407030.1); c.361-43329A>G (NM_001407033.1); c.94+60433A>G (NM_001407037.1); c.13-43329A>G (NM_001407038.1); and 1 more; short protein forms T107A, T169A, T213A, T89A.
Identifiers: ClinVar variation 4757090 (VCV004757090.1).

ClinVar aggregate classification (germline): Uncertain significance (1 of 4 stars; one submission).

Conditions:
Cardiomyopathy (CMYO). Also called: Cardiomyopathies. Identifiers: Orphanet 167848, MedGen C0878544, MONDO:0004994, HP:0001638. Inheritance: Various modes of inheritance.

Submission:

Color Diagnostics, LLC DBA Color Health
Classification: Uncertain significance for Cardiomyopathy. Last evaluated: 2025-06-29. Review status: criteria provided, single submitter. Criteria: ACMG Guidelines, 2015. Collection method: clinical testing. Allele origin: germline.
Comment: This missense variant replaces threonine with alanine at codon 213 of the PRKAG2 protein. Computational prediction suggests that this variant may not impact protein structure and function. To our knowledge, functional studies have not been reported for this variant. This variant has not been reported in individuals affected with PRKAG2-related disorders in the literature. This variant has not been identified in the general population by the Genome Aggregation Database (gnomAD). The available evidence is insufficient to determine the role of this variant in disease conclusively. Therefore, this variant is classified as a Variant of Uncertain Significance.